The following is an entry in ClinVar:

ClinVar aggregate classification (germline): Benign. Review status: criteria provided, multiple submitters, no conflicts (2 of 4 stars). 3 submissions from 3 submitters: Benign (3). Last evaluated 2019-04-16.

Conditions:
Weill-Marchesani 4 syndrome, recessive. Also called: Weill-Marchesani syndrome 4. Identifiers: Orphanet 363992, MedGen C2750787, MONDO:0013176, OMIM 613195.

Allele frequency attached by ClinVar (database versions not stated): 1000 Genomes Project 0.52037; 1000 Genomes Project 30x 0.52311; TOPMed 0.54991; gnomAD 0.58955; gnomAD exomes 0.62369.
gnomAD v4.1: 417,138 of 681,872 alleles (61%); highest among the groups gnomAD compares: Non-Finnish European, 65%; 130,625 homozygotes.

Submissions (3):

GeneDx
Classification: Benign. Last evaluated: 2019-04-16. Review status: criteria provided, single submitter. Criteria: GeneDx Variant Classification Process June 2021. Collection method: clinical testing. Allele origin: germline. Affected: yes.

Illumina Laboratory Services, Illumina
Classification: Benign for Weill-Marchesani 4 syndrome, recessive. Last evaluated: 2018-01-12. Review status: criteria provided, single submitter. Criteria: ICSL Variant Classification Criteria 13 December 2019. Collection method: clinical testing. Allele origin: germline.
Comment: This variant was observed in the ICSL laboratory as part of a predisposition screen in an ostensibly healthy population. It had not been previously curated by ICSL or reported in the Human Gene Mutation Database (HGMD: prior to June 1st, 2018), and was therefore a candidate for classification through an automated scoring system. Utilizing variant allele frequency, disease prevalence and penetrance estimates, and inheritance mode, an automated score was calculated to assess if this variant is too frequent to cause the disease. Based on the score and internal cut-off values, a variant classified as benign is not then subjected to further curation. The score for this variant resulted in a classification of benign for this disease.

Breakthrough Genomics
Classification: Benign. Review status: criteria provided, single submitter. Criteria: ACMG Guidelines, 2015. Collection method: not provided. Allele origin: germline. Inheritance: Autosomal recessive inheritance. Affected: yes.

NM_139057.4(ADAMTS17):c.*190G>A

Gene: ADAMTS17 (ADAM metallopeptidase with thrombospondin type 1 motif 17; minus strand). Cytogenetic location: 15q26.3.
Variant type: single nucleotide variant.
Coding change: c.*190G>A on transcript NM_139057.4 (MANE Select); 190 bases downstream of the stop codon, G replaced by A.
Molecular consequence: 3 prime UTR variant.
Genome position (GRCh38, 1-based): chr15:99,974,212, C>T on the plus strand (G>A on the coding strand, the complement: ADAMTS17 is on the minus strand). VCF-style: chr15-99974212-C-T. GRCh37 (hg19) VCF-style: chr15-100514417-C-T.
Identifiers: ClinVar variation 315239 (VCV000315239.9), dbSNP rs2727199, ClinGen allele CA10647680.
Genomic context (GRCh38, chr15:99,974,212, plus strand): 5'-AAATCCTAGAAATTGAAGTTACTTTGTGACTCATGCCTACTTTCTCCTCACTGTAGAAAG[C>T]CAGCCAGTGGCTGTTAACAATATATTAAGTACGGAAGCACTAATGGCAAACGCCAAGTCC-3'